The following is an entry in ClinVar:

ClinVar aggregate classification (germline): Uncertain significance (1 of 4 stars; one submission).

Conditions:
Hereditary cancer-predisposing syndrome. Also called: Neoplastic Syndromes, Hereditary; Tumor predisposition; Hereditary Cancer Syndrome; Hereditary neoplastic syndrome. Identifiers: Orphanet 140162, MedGen C0027672, MeSH D009386, MONDO:0015356.

Submission:

Ambry Genetics
Classification: Uncertain significance for Hereditary cancer-predisposing syndrome. Last evaluated: 2021-03-26. Review status: criteria provided, single submitter. Criteria: Ambry Variant Classification Scheme 2023. Collection method: clinical testing. Allele origin: germline.
Comment: The c.816+1G>A intronic variant results from a G to A substitution one nucleotide after coding exon 8 of the SMARCE1 gene. Alterations that disrupt the canonical splice site are expected to cause aberrant splicing. In silico splice site analysis predicts that this alteration will weaken the native splice donor site. The resulting transcript is predicted to be in-frame and is not expected to trigger nonsense-mediated mRNA decay; however, direct evidence is unavailable. The exact functional effect of the missing amino acids is unknown. This nucleotide position is highly conserved in available vertebrate species. Since supporting evidence is limited at this time, the clinical significance of this alteration remains unclear.

NM_003079.5(SMARCE1):c.816+1G>A

Gene: SMARCE1 (SWI/SNF related BAF chromatin remodeling complex subunit E1; minus strand). Cytogenetic location: 17q21.2.
Variant type: single nucleotide variant.
Coding change: c.816+1G>A on transcript NM_003079.5 (MANE Select); the canonical splice donor site of the intron after coding-DNA position 816, G replaced by A.
Molecular consequence: splice donor variant.
Genome position (GRCh38, 1-based): chr17:40,631,591, C>T on the plus strand (G>A on the coding strand, the complement: SMARCE1 is on the minus strand). VCF-style: chr17-40631591-C-T. GRCh37 (hg19) VCF-style: chr17-38787843-C-T.
Identifiers: ClinVar variation 1762228 (VCV001762228.2), dbSNP rs2143986798, ClinGen allele CA399364077.